The following is an entry in ClinVar:

NM_003114.5(SPAG1):c.1561A>G (p.Met521Val)

Gene: SPAG1 (sperm associated antigen 1; plus strand). Cytogenetic location: 8q22.2.
Variant type: single nucleotide variant.
Coding change: c.1561A>G on transcript NM_003114.5 (MANE Select); coding-DNA position 1561, A replaced by G.
Protein change: p.Met521Val; replaces methionine 521 with valine.
Molecular consequence: missense variant.
Genome position (GRCh38, 1-based): chr8:100,220,304, A>G. VCF-style: chr8-100220304-A-G. GRCh37 (hg19) VCF-style: chr8-101232532-A-G.
Other names: c.1561A>G, p.Met521Val (NM_001374321.1, NM_172218.3); short protein forms M521V.
Identifiers: ClinVar variation 946312 (VCV000946312.2), dbSNP rs745418167, ClinGen allele CA4827536.

ClinVar aggregate classification (germline): Conflicting classifications of pathogenicity. Review status: criteria provided, conflicting classifications (1 of 4 stars). 2 submissions from 2 submitters: Uncertain significance (1); Likely benign (1). Last evaluated 2024-11-24.

Conditions:
Primary ciliary dyskinesia. Also called: Ciliary dyskinesia. Identifiers: Orphanet 244, MedGen C0008780, MONDO:0016575, HP:0012265.
Primary ciliary dyskinesia 28. Also called: CILIARY DYSKINESIA, PRIMARY, 28, WITH OR WITHOUT SITUS INVERSUS. Identifiers: Orphanet 244, MedGen C3809706, MONDO:0014216, OMIM 615505.

Allele frequency attached by ClinVar (database versions not stated): gnomAD 0.00001 and below 0.00001; gnomAD exomes 0.00003 and 0.00005; ExAC 0.00008.
gnomAD v4.1: 40 of 1,612,766 alleles (0.0025%); highest among the groups gnomAD compares: South Asian, 0.029%; no homozygotes.

Submissions (2):

Ambry Genetics
Classification: Likely benign for Primary ciliary dyskinesia. Last evaluated: 2024-11-24. Review status: criteria provided, single submitter. Criteria: Ambry Variant Classification Scheme 2023. Collection method: clinical testing. Allele origin: germline.

Labcorp Genetics (formerly Invitae), Labcorp
Classification: Uncertain significance for Ciliary dyskinesia, primary, 28. Last evaluated: 2019-04-18. Review status: criteria provided, single submitter. Criteria: Invitae Variant Classification Sherloc (09022015). Collection method: clinical testing. Allele origin: germline.
Comment: This sequence change replaces methionine with valine at codon 521 of the SPAG1 protein (p.Met521Val). The methionine residue is weakly conserved and there is a small physicochemical difference between methionine and valine. This variant is present in population databases (rs745418167, ExAC 0.06%). This variant has not been reported in the literature in individuals with SPAG1-related conditions. Algorithms developed to predict the effect of missense changes on protein structure and function output the following: SIFT: "Tolerated"; PolyPhen-2: "Benign"; Align-GVGD: "Class C0". The valine amino acid residue is found in multiple mammalian species, suggesting that this missense change does not adversely affect protein function. These predictions have not been confirmed by published functional studies and their clinical significance is uncertain. In summary, the available evidence is currently insufficient to determine the role of this variant in disease. Therefore, it has been classified as a Variant of Uncertain Significance.